The following is an entry in ClinVar:

NM_005051.3(QARS1):c.2084+1G>T

Gene: QARS1 (glutaminyl-tRNA synthetase 1; minus strand). Cytogenetic location: 3p21.31.
Variant type: single nucleotide variant.
Coding change: c.2084+1G>T on transcript NM_005051.3 (MANE Select); the canonical splice donor site of the intron after coding-DNA position 2084, G replaced by T.
Molecular consequence: splice donor variant.
Genome position (GRCh38, 1-based): chr3:49,098,352, C>A on the plus strand (G>T on the coding strand, the complement: QARS1 is on the minus strand). VCF-style: chr3-49098352-C-A. GRCh37 (hg19) VCF-style: chr3-49135785-C-A.
Other names: c.2051+1G>T (NM_001272073.2).
Identifiers: ClinVar variation 2106410 (VCV002106410.4), dbSNP rs79363335, ClinGen allele CA74472367.
Genomic context (GRCh38, chr3:49,098,352, plus strand): 5'-GGCAGCCATAGCAGGCAATGTGCATCTTGTACCTGCCCCCACCCCAGCTCTGTTCACTCA[C>A]AGTCGCTCATAGAGGCGAACCTCACACATCAAAGGCTGTGACACCCAGTGAATAAAGGCC-3'

ClinVar aggregate classification (germline): Likely pathogenic (1 of 4 stars; one submission).

Conditions:
Diffuse cerebral and cerebellar atrophy - intractable seizures - progressive microcephaly syndrome. Also called: Microcephaly, progressive, with seizures and cerebral and cerebellar atrophy. Identifiers: Orphanet 404437, MedGen C4014239, MONDO:0014335, OMIM 615760.

Allele frequency attached by ClinVar (database versions not stated): ESP Exome Variant Server 0.00008.
gnomAD v4.1: 5 of 1,614,232 alleles (0.00031%); highest among the groups gnomAD compares: Non-Finnish European, 0.00042%; no homozygotes.

Submission:

Labcorp Genetics (formerly Invitae), Labcorp
Classification: Likely pathogenic for Diffuse cerebral and cerebellar atrophy - intractable seizures - progressive microcephaly syndrome. Last evaluated: 2023-10-28. Review status: criteria provided, single submitter. Criteria: Invitae Variant Classification Sherloc (09022015). Collection method: clinical testing. Allele origin: germline.
Comment: This sequence change affects a donor splice site in intron 21 of the QARS gene. It is expected to disrupt RNA splicing. Variants that disrupt the donor or acceptor splice site typically lead to a loss of protein function (PMID: 16199547), and loss-of-function variants in QARS are known to be pathogenic (PMID: 24656866, 25471517). This variant is not present in population databases (gnomAD no frequency). This variant has not been reported in the literature in individuals affected with QARS-related conditions. ClinVar contains an entry for this variant (Variation ID: 2106410). Algorithms developed to predict the effect of sequence changes on RNA splicing suggest that this variant may disrupt the consensus splice site. In summary, the currently available evidence indicates that the variant is pathogenic, but additional data are needed to prove that conclusively. Therefore, this variant has been classified as Likely Pathogenic.

Literature cited by the submitters: PubMed 16199547; PubMed 24656866; PubMed 25471517.